The following is an entry in ClinVar:

ClinVar aggregate classification (germline): Uncertain significance (1 of 4 stars; one submission).

gnomAD v4.1: 1 of 1,551,064 alleles (0.000064%); highest among the groups gnomAD compares: Non-Finnish European, 0.000087%; no homozygotes.

Submission:

Labcorp Genetics (formerly Invitae), Labcorp
Classification: Uncertain significance. Last evaluated: 2024-04-17. Review status: criteria provided, single submitter. Criteria: Invitae Variant Classification Sherloc (09022015). Collection method: clinical testing. Allele origin: germline.
Comment: This sequence change replaces methionine, which is neutral and non-polar, with isoleucine, which is neutral and non-polar, at codon 433 of the ZSWIM6 protein (p.Met433Ile). This variant is not present in population databases (gnomAD no frequency). This variant has not been reported in the literature in individuals affected with ZSWIM6-related conditions. Advanced modeling of protein sequence and biophysical properties (such as structural, functional, and spatial information, amino acid conservation, physicochemical variation, residue mobility, and thermodynamic stability) performed at Invitae indicates that this missense variant is not expected to disrupt ZSWIM6 protein function with a negative predictive value of 80%. In summary, the available evidence is currently insufficient to determine the role of this variant in disease. Therefore, it has been classified as a Variant of Uncertain Significance.

NM_020928.2(ZSWIM6):c.1299G>A (p.Met433Ile)

Gene: ZSWIM6 (zinc finger SWIM-type containing 6; plus strand). Cytogenetic location: 5q12.1.
Variant type: single nucleotide variant.
Coding change: c.1299G>A on transcript NM_020928.2 (MANE Select); coding-DNA position 1299, G replaced by A.
Protein change: p.Met433Ile; replaces methionine 433 with isoleucine.
Molecular consequence: missense variant.
Genome position (GRCh38, 1-based): chr5:61,494,376, G>A. VCF-style: chr5-61494376-G-A. GRCh37 (hg19) VCF-style: chr5-60790203-G-A.
Other names: short protein forms M433I.
Identifiers: ClinVar variation 3695429 (VCV003695429.2).